The following is an entry in ClinVar:

NM_181523.3(PIK3R1):c.1337_1342del (p.Gly446_Lys448delinsGlu)

Gene: PIK3R1 (phosphoinositide-3-kinase regulatory subunit 1; plus strand). Cytogenetic location: 5q13.1.
Variant type: Deletion.
Coding change: c.1337_1342del on transcript NM_181523.3 (MANE Select); coding-DNA positions 1337 to 1342, 6 bases deleted (GGAAAA; older notation c.1337_1342delGGAAAA).
Protein change: p.Gly446_Lys448delinsGlu.
Molecular consequence: inframe indel.
Genome position (GRCh38, 1-based): chr5:68,293,746-68,293,751, GGAAAA deleted. VCF-style (leftmost placement, unchanged base first): chr5-68293745-GGGAAAA-G. GRCh37 (hg19) VCF-style: chr5-67589573-GGGAAAA-G.
Other names: c.248_253del, p.Gly83_Lys85delinsGlu (NM_001242466.2); c.527_532del, p.Gly176_Lys178delinsGlu (NM_181504.4); c.437_442del, p.Gly146_Lys148delinsGlu (NM_181524.2).
Identifiers: ClinVar variation 4530393 (VCV004530393.1).

ClinVar aggregate classification (somatic clinical impact): Tier I - Strong (1 of 4 stars; one submission).

Conditions:
Diffuse midline glioma, H3 K27M-mutant. Identifiers: MedGen C4289688, MONDO:0957196.

Submission:

Institute for Genomic Medicine (IGM) Clinical Laboratory, Nationwide Children's Hospital
Classification: Tier I - Strong for Diffuse midline glioma, H3 K27M-mutant. Assertion type: diagnostic. Clinical significance: supports diagnosis. Last evaluated: 2025-07-02. Review status: criteria provided, single submitter. Criteria: AMP/ASCO/CAP Guidelines, 2017. Collection method: clinical testing. Allele origin: somatic. Affected: yes.
Comment: Variant has Tier I (strong) clinical significance as a diagnostic inclusion criterion in diffuse midline glioma, H3 K27M-mutant, based on the following evidence: 1) Documented in one or more cancer databases (e.g., St. Jude Pecan, COSMIC, CIViC, OncoKB). 2) Appears in one or more well-established professional guidelines (e.g., World Health Organization [WHO]; National Comprehensive Cancer Network [NCCN]) as providing diagnostic, prognostic, or therapeutic information. 3) Information in the literature supports potential biologic effect of variant (PMIDs: 20713702, 19962665). 4) Diagnostic for a specific tumor type/classification based on well-powered studies with expert-level consensus (Evidence Level B; PMIDs: 27048880, 28966033, 29967352, 31348837, 32555164, 32680567).

Literature cited by the submitters: PubMed 20713702; PubMed 19962665; PubMed 27048880; PubMed 28966033; PubMed 29967352; PubMed 31348837; PubMed 32555164; PubMed 32680567.